The following is an entry in ClinVar:

NM_007294.4(BRCA1):c.3158_3159insG (p.Val1054fs)

Gene: BRCA1 (BRCA1 DNA repair associated; minus strand). Cytogenetic location: 17q21.31.
Variant type: Insertion.
Coding change: c.3158_3159insG on transcript NM_007294.4 (MANE Select); coding-DNA positions 3158 to 3159, G inserted.
Protein change: p.Val1054fs; shifts the reading frame from valine 1054.
Molecular consequence: frameshift variant. On other transcripts: intron variant (137).
Genome position: GRCh38 VCF-style: chr17-43092372-T-TC. GRCh37 (hg19) VCF-style: chr17-41244389-T-TC.
Other names: 3277insG; c.3035_3036insG, p.Val1013fs (NM_001407677.1, NM_001407678.1, NM_001407679.1 and 19 more transcripts); c.3158_3159insG, p.Val1054fs (NM_001407684.1, NM_007300.4, NM_001407581.1 and 30 more transcripts); c.3032_3033insG, p.Val1012fs (NM_001407685.1, NM_001407686.1, NM_001407687.1 and 11 more transcripts); c.3017_3018insG, p.Val1007fs (NM_001407692.1, NM_001407694.1, NM_001407695.1 and 29 more transcripts); c.3014_3015insG, p.Val1006fs (NM_001407740.1, NM_001407741.1, NM_001407742.1 and 20 more transcripts); c.3155_3156insG, p.Val1053fs (NM_001407861.1, NM_001407587.1, NM_001407590.1 and 22 more transcripts); c.2957_2958insG, p.Val987fs (NM_001407862.1); and 42 more; short protein forms V1007fs, V1054fs, V1027fs, V1051fs, V986fs, V1012fs, V1053fs, V926fs.
Identifiers: ClinVar variation 125609 (VCV000125609.4), dbSNP rs80357769, ClinGen allele CA002060.

ClinVar aggregate classification (germline): Pathogenic. Review status: reviewed by expert panel (3 of 4 stars). 2 submissions from 2 submitters: Pathogenic (1). 1 of the submissions does not count toward it. Last evaluated 2016-09-08.

Conditions:
Breast-ovarian cancer, familial, susceptibility to, 1 (BROVCA1). Also called: BRCA1 Hereditary Breast and Ovarian Cancer; OVARIAN CANCER, SUSCEPTIBILITY TO. Identifiers: Orphanet 145, MedGen C2676676, MONDO:0011450, OMIM 604370. Disease mechanism: loss of function.

Submissions (2):

Evidence-based Network for the Interpretation of Germline Mutant Alleles (ENIGMA)
Classification: Pathogenic for Breast-ovarian cancer, familial, susceptibility to, 1. Last evaluated: 2016-09-08. Review status: reviewed by expert panel. Criteria: ENIGMA BRCA1/2 Classification Criteria (2015). Collection method: curation. Allele origin: germline.
Comment: Variant allele predicted to encode a truncated non-functional protein.

Breast Cancer Information Core (BIC) (BRCA1)
Classification: Pathogenic for Breast-ovarian cancer, familial 1. Last evaluated: 2002-05-29. Review status: no assertion criteria provided. Collection method: clinical testing. Allele origin: germline. Affected: yes. Observed: 1 variant allele. Not counted in ClinVar's aggregate classification.

Literature cited by the submitters: Konstantopoulou et al, Hu Mut 2000 (cited by Breast Cancer Information Core (BIC) (BRCA1)).